The following is an entry in ClinVar:

ClinVar aggregate classification (germline): Conflicting classifications of pathogenicity. Review status: criteria provided, conflicting classifications (1 of 4 stars). 3 submissions from 3 submitters: Likely pathogenic (2); Uncertain significance (1). Last evaluated 2025-12-01.

Conditions:
Joubert syndrome. Also called: JOUBERT-BOLTSHAUSER SYNDROME; Familial aplasia of the vermis. Identifiers: Orphanet 475, MedGen C5979921, MONDO:0018772.
Meckel-Gruber syndrome. Also called: DYSENCEPHALIA SPLANCHNOCYSTICA; GRUBER SYNDROME; Dysencephalia splachnocystica. Identifiers: Orphanet 564, MedGen C0265215, MONDO:0018921.

Submissions (3):

Natera, Inc.
Classification: Likely pathogenic for Joubert syndrome. Last evaluated: 2025-12-01. Review status: criteria provided, single submitter. Criteria: Natera Variant Classification Schema (03/2026). Collection method: clinical testing. Allele origin: germline.
Comment: The c.2180G>A variant in RPGRIP1L is a missense variant predicted to cause substitution of glycine to aspartic acid at amino acid 727. This variant is rare in the general population with a frequency below the threshold expected for the associated phenotype(s). This variant has been observed in one or more individuals affected with the associated recessive disease, as either homozygous or compound heterozygous with a second variant (PMID: 34308837, 31328266). This variant has been identified in one or more affected individual with a phenotype highly consistent with the associated gene (PMID: 34308837). Computational prediction algorithms indicate this variant is likely to affect gene or protein function. Given the available evidence, this variant is classified as Likely Pathogenic.

Labcorp Genetics (formerly Invitae), Labcorp
Classification: Likely pathogenic for Joubert syndrome; Meckel-Gruber syndrome. Last evaluated: 2024-01-11. Review status: criteria provided, single submitter. Criteria: Invitae Variant Classification Sherloc (09022015). Collection method: clinical testing. Allele origin: germline.
Comment: This sequence change replaces glycine, which is neutral and non-polar, with aspartic acid, which is acidic and polar, at codon 727 of the RPGRIP1L protein (p.Gly727Asp). This variant is not present in population databases (gnomAD no frequency). This missense change has been observed in individual(s) with clinical features of Joubert syndrome (PMID: 33323469, 34308837). ClinVar contains an entry for this variant (Variation ID: 938236). Advanced modeling of protein sequence and biophysical properties (such as structural, functional, and spatial information, amino acid conservation, physicochemical variation, residue mobility, and thermodynamic stability) performed at Invitae indicates that this missense variant is expected to disrupt RPGRIP1L protein function with a positive predictive value of 80%. This variant disrupts the p.Gly727 amino acid residue in RPGRIP1L. Other variant(s) that disrupt this residue have been observed in individuals with RPGRIP1L-related conditions (PMID: 35858853), which suggests that this may be a clinically significant amino acid residue. In summary, the currently available evidence indicates that the variant is pathogenic, but additional data are needed to prove that conclusively. Therefore, this variant has been classified as Likely Pathogenic.

Blueprint Genetics
Classification: Uncertain significance. Last evaluated: 2022-05-01. Review status: criteria provided, single submitter. Criteria: ACMG Guidelines, 2015. Collection method: clinical testing. Allele origin: germline.

Literature cited by the submitters: PubMed 34308837 (cited by Natera, Inc. and Labcorp Genetics (formerly Invitae), Labcorp); PubMed 31328266 (cited by Natera, Inc.); PubMed 33323469 (cited by Labcorp Genetics (formerly Invitae), Labcorp); PubMed 35858853 (cited by Labcorp Genetics (formerly Invitae), Labcorp).

NM_015272.5(RPGRIP1L):c.2180G>A (p.Gly727Asp)

Gene: RPGRIP1L (RPGRIP1 like; minus strand). Cytogenetic location: 16q12.2.
Variant type: single nucleotide variant.
Coding change: c.2180G>A on transcript NM_015272.5 (MANE Select); coding-DNA position 2180, G replaced by A.
Protein change: p.Gly727Asp; replaces glycine 727 with aspartic acid.
Molecular consequence: missense variant.
Genome position (GRCh38, 1-based): chr16:53,649,088, C>T on the plus strand (G>A on the coding strand, the complement: RPGRIP1L is on the minus strand). VCF-style: chr16-53649088-C-T. GRCh37 (hg19) VCF-style: chr16-53683000-C-T.
Other names: c.2180G>A, p.Gly727Asp (NM_001127897.4, NM_001308334.3, NM_001330538.2); c.2180G>A (NM_015272.4); short protein forms G727D.
Identifiers: ClinVar variation 938236 (VCV000938236.12), dbSNP rs546150528, ClinGen allele CA281341913.
Genomic context (GRCh38, chr16:53,649,088, plus strand): 5'-CGATAAAGTCGAATTGCTTGATCCATGGGAACTCTTAATCGGAACCAGTATTCCACTGTG[C>T]CAAAATTTGGGATGTCTCCTTTTGTTCCTACAAATCAGTACATAACCCAAGGTTAAAATA-3'
Protein context (NP_056087.2, residues 717-737): IGTKGDIPNF[Gly727Asp]TVEYWFRLRV